The following is an entry in ClinVar:

ClinVar aggregate classification (germline): Likely pathogenic (1 of 4 stars; one submission).

Conditions:
Cerebral arteriopathy, autosomal dominant, with subcortical infarcts and leukoencephalopathy, type 1 (CADASIL1). Also called: CADASIL 1; CASIL; Cerebral arteriopathy with subcortical infarcts and leukoencephalopathy 1; DEMENTIA, HEREDITARY MULTIINFARCT TYPE. Identifiers: Orphanet 136, MedGen C4551768, MONDO:0000914, OMIM 125310.

Submission:

Women's Health and Genetics/Laboratory Corporation of America, LabCorp
Classification: Likely pathogenic for Cerebral arteriopathy, autosomal dominant, with subcortical infarcts and leukoencephalopathy, type 1. Last evaluated: 2025-11-11. Review status: criteria provided, single submitter. Criteria: LabCorp Variant Classification Summary - May 2015. Collection method: clinical testing. Allele origin: germline.
Comment: Variant summary: NOTCH3 c.1398C>G (p.Cys466Trp) results in a non-conservative amino acid change in the encoded protein sequence. Algorithms developed to predict the effect of missense changes on protein structure and function all suggest that this variant is likely to be disruptive. The frequency data for this variant in gnomAD is considered unreliable, as metrics indicate poor data quality at this position. c.1398C>G has been observed in the presumed heterozygous state in at least 4 individual(s) affected with Cerebral arteriopathy, autosomal dominant, with subcortical infarcts and leukoencephalopathy, type 1 (example, Min_2022). These data indicate that the variant is likely to be associated with disease. To our knowledge, no experimental evidence demonstrating an impact on protein function has been reported. The following publications have been ascertained in the context of this evaluation (PMID: 35822697, 34741685, 38254727). No submitters have cited clinical-significance assessments for this variant to ClinVar. Based on the evidence outlined above, the variant was classified as likely pathogenic.

Literature cited by the submitters: PubMed 35822697; PubMed 38254727; PubMed 34741685.

NM_000435.3(NOTCH3):c.1398C>G (p.Cys466Trp)

Gene: NOTCH3 (notch receptor 3; minus strand). Cytogenetic location: 19p13.12.
Variant type: single nucleotide variant.
Coding change: c.1398C>G on transcript NM_000435.3 (MANE Select); coding-DNA position 1398, C replaced by G.
Protein change: p.Cys466Trp; replaces cysteine 466 with tryptophan.
Molecular consequence: missense variant.
Genome position (GRCh38, 1-based): chr19:15,188,329, G>C on the plus strand (C>G on the coding strand, the complement: NOTCH3 is on the minus strand). VCF-style: chr19-15188329-G-C. GRCh37 (hg19) VCF-style: chr19-15299140-G-C.
Other names: short protein forms C466W.
Identifiers: ClinVar variation 4536877 (VCV004536877.1).